The following is an entry in ClinVar:

NM_000080.4(CHRNE):c.410C>T (p.Thr137Met)

Genes: C17orf107 (chromosome 17 open reading frame 107; plus strand), CHRNE (cholinergic receptor nicotinic epsilon subunit; minus strand). Cytogenetic location: 17p13.2.
Variant type: single nucleotide variant.
Coding change: c.410C>T on transcript NM_000080.4 (MANE Select); coding-DNA position 410, C replaced by T.
Protein change: p.Thr137Met; replaces threonine 137 with methionine.
Molecular consequence: missense variant. On other transcripts: 3 prime UTR variant (1).
Genome position (GRCh38, 1-based): chr17:4,902,022, G>A on the plus strand (C>T on the coding strand, the complement: CHRNE is on the minus strand). VCF-style: chr17-4902022-G-A. GRCh37 (hg19) VCF-style: chr17-4805317-G-A.
Other names: c.*1489G>A (NM_001145536.2); short protein forms T137M.
Identifiers: ClinVar variation 964970 (VCV000964970.8), dbSNP rs146089157, ClinGen allele CA8314462.
Genomic context (GRCh38, chr17:4,902,022, plus strand): 5'-AAGGGGAAGTAGGTGACCTCCACTGCGCAGACGCTGCGGTAGATGGCCGGAGGCAGCCAC[G>A]TCACGGAGCCGCCCTCGTAGACGAGCACGTTGGCGTCGTAGGCCACTCCGAACTGGCCAT-3'
Protein context (NP_000071.1, residues 127-147): NVLVYEGGSV[Thr137Met]WLPPAIYRSV

ClinVar aggregate classification (germline): Uncertain significance. Review status: criteria provided, single submitter (1 of 4 stars). 2 submissions from 2 submitters: Uncertain significance (1). 1 of the submissions does not count toward it. Last evaluated 2025-02-24.

Conditions:
Congenital myasthenic syndrome (CMS). Also called: Congenital Myasthenic Syndromes. Identifiers: Orphanet 590, MedGen C0751882, MeSH D020294, MONDO:0018940.
Congenital myasthenic syndrome 4A. Also called: Myasthenic syndrome, congenital, 4a, slow-channel; MYASTHENIC SYNDROME, CONGENITAL, 4A, SLOW-CHANNEL, AUTOSOMAL RECESSIVE; CONGENITAL MYASTHENIC SYNDROME TYPE Ia1. Identifiers: Orphanet 590, MedGen C4225413, MONDO:0011600, OMIM 605809.

Allele frequency attached by ClinVar (database versions not stated): TOPMed 0.00003; ESP Exome Variant Server 0.00008.
gnomAD v4.1: 29 of 1,613,992 alleles (0.0018%); highest among the groups gnomAD compares: Non-Finnish European, 0.0019%; no homozygotes.

Submissions (2):

Labcorp Genetics (formerly Invitae), Labcorp
Classification: Uncertain significance for Congenital myasthenic syndrome 4A. Last evaluated: 2025-02-24. Review status: criteria provided, single submitter. Criteria: Invitae Variant Classification Sherloc (09022015). Collection method: clinical testing. Allele origin: germline.
Comment: This sequence change replaces threonine, which is neutral and polar, with methionine, which is neutral and non-polar, at codon 137 of the CHRNE protein (p.Thr137Met). This variant is present in population databases (rs146089157, gnomAD 0.004%). This variant has not been reported in the literature in individuals affected with CHRNE-related conditions. ClinVar contains an entry for this variant (Variation ID: 964970). Invitae Evidence Modeling of protein sequence and biophysical properties (such as structural, functional, and spatial information, amino acid conservation, physicochemical variation, residue mobility, and thermodynamic stability) indicates that this missense variant is not expected to disrupt CHRNE protein function with a negative predictive value of 95%. In summary, the available evidence is currently insufficient to determine the role of this variant in disease. Therefore, it has been classified as a Variant of Uncertain Significance.

Natera, Inc.
Classification: Uncertain significance for Congenital myasthenic syndrome. Last evaluated: 2020-02-03. Review status: no assertion criteria provided. Collection method: clinical testing. Allele origin: germline. Not counted in ClinVar's aggregate classification.